The following is an entry in ClinVar:

ClinVar aggregate classification (germline): Uncertain significance (1 of 4 stars; one submission).

Conditions:
Cardiovascular phenotype. Identifiers: MedGen CN230736.

Submission:

Ambry Genetics
Classification: Uncertain significance for Cardiovascular phenotype. Last evaluated: 2026-05-24. Review status: criteria provided, single submitter. Criteria: Ambry Variant Classification Scheme 2023. Collection method: clinical testing. Allele origin: germline.
Comment: The p.A631T variant (also known as c.1891G>A), located in coding exon 14 of the VCL gene, results from a G to A substitution at nucleotide position 1891. The alanine at codon 631 is replaced by threonine, an amino acid with similar properties. This amino acid position is conserved. In addition, this alteration is predicted to be tolerated by in silico analysis. Based on the available evidence, the clinical significance of this variant remains unclear.

NM_014000.3(VCL):c.1891G>A (p.Ala631Thr)

Gene: VCL (vinculin; plus strand). Cytogenetic location: 10q22.2.
Variant type: single nucleotide variant.
Coding change: c.1891G>A on transcript NM_014000.3 (MANE Select); coding-DNA position 1891, G replaced by A.
Protein change: p.Ala631Thr; replaces alanine 631 with threonine.
Molecular consequence: missense variant.
Genome position (GRCh38, 1-based): chr10:74,100,966, G>A. VCF-style: chr10-74100966-G-A. GRCh37 (hg19) VCF-style: chr10-75860724-G-A.
Other names: c.1891G>A, p.Ala631Thr (NM_003373.4); short protein forms A631T.
Identifiers: ClinVar variation 4866405 (VCV004866405.1).
Genomic context (GRCh38, chr10:74,100,966, plus strand): 5'-TTTATTGAAATAAATGTTCTTAATATCTGTTTTTTCCTCAAGGTATTTGATGAGAGGGCA[G>A]CTAACTTTGAAAACCATTCAGGAAAGCTTGGTGCTACGGCCGAGAAGGCGGCTGCGGTTG-3'
Protein context (NP_054706.1, residues 621-641): NREEVFDERA[Ala631Thr]NFENHSGKLG